The following is an entry in ClinVar:

ClinVar aggregate classification (germline): Likely benign (0 of 4 stars; one submission).

Conditions:
MADD-related disorder. Also called: MADD-Related Disorders; MADD-related condition.

Allele frequency attached by ClinVar (database versions not stated): gnomAD exomes 0.00004; ExAC 0.00007; ESP Exome Variant Server 0.00008; gnomAD 0.00019; TOPMed 0.00022.
gnomAD v4.1: 91 of 1,613,832 alleles (0.0056%); highest among the groups gnomAD compares: African/African-American, 0.045%; no homozygotes.

Submission:

PreventionGenetics, part of Exact Sciences
Classification: Likely benign for MADD-related condition. Last evaluated: 2019-02-20. Review status: no assertion criteria provided. Collection method: clinical testing. Allele origin: germline.
Comment: This variant is classified as likely benign based on ACMG/AMP sequence variant interpretation guidelines (Richards et al. 2015 PMID: 25741868, with internal and published modifications).

NM_001376571.1(MADD):c.4413C>T (p.Ile1471=)

Gene: MADD (MAP kinase activating death domain; plus strand). Cytogenetic location: 11p11.2.
Variant type: single nucleotide variant.
Coding change: c.4413C>T on transcript NM_001376571.1 (MANE Select); coding-DNA position 4413, C replaced by T.
Protein change: p.Ile1471=; no amino-acid change (isoleucine 1471 retained).
Molecular consequence: synonymous variant. On other transcripts: non-coding transcript variant (8).
Genome position (GRCh38, 1-based): chr11:47,323,706, C>T. VCF-style: chr11-47323706-C-T. GRCh37 (hg19) VCF-style: chr11-47345257-C-T.
Other names: c.4104C>T, p.Ile1368= (NM_001135943.2); c.4095C>T, p.Ile1365= (NM_001135944.2, NM_001376618.1, NM_001376619.1 and 2 more transcripts); c.4401C>T, p.Ile1467= (NM_001376572.1, NM_001376573.1, NM_001376599.1 and 2 more transcripts); c.4359C>T, p.Ile1453= (NM_001376574.1, NM_001376605.1); c.4353C>T, p.Ile1451= (NM_001376575.1); c.4341C>T, p.Ile1447= (NM_001376576.1, NM_001376577.1, NM_001376610.1); c.4314C>T, p.Ile1438= (NM_001376578.1); c.4287C>T, p.Ile1429= (NM_001376579.1, NM_001376580.1, NM_001376622.1 and 1 more transcripts); and 43 more.
Identifiers: ClinVar variation 3035648 (VCV003035648.2), dbSNP rs376711119, ClinGen allele CA5975144.